The following is an entry in ClinVar:

NM_015450.3(POT1):c.166A>G (p.Lys56Glu)

Gene: POT1 (protection of telomeres 1; minus strand). Cytogenetic location: 7q31.33.
Variant type: single nucleotide variant.
Coding change: c.166A>G on transcript NM_015450.3 (MANE Select); coding-DNA position 166, A replaced by G.
Protein change: p.Lys56Glu; replaces lysine 56 with glutamic acid.
Molecular consequence: missense variant. On other transcripts: non-coding transcript variant (3), intron variant (1).
Genome position (GRCh38, 1-based): chr7:124,871,000, T>C on the plus strand (A>G on the coding strand, the complement: POT1 is on the minus strand). VCF-style: chr7-124871000-T-C. GRCh37 (hg19) VCF-style: chr7-124511054-T-C.
Other names: c.-138-7360A>G (NM_001042594.2); short protein forms K56E.
Identifiers: ClinVar variation 1379585 (VCV001379585.6), dbSNP rs2116567663, ClinGen allele CA369061597.
Genomic context (GRCh38, chr7:124,871,000, plus strand): 5'-CATTTTTATAAATTATTGGAAGGGCTTCATAGTTTCCACTAAAGAGCAGGCAAGTTAGTT[T>C]TACATTTGTCTGGTCCACAATAGTTACAACTGAGCAATAATCTGGAAAACACAAAAATAT-3'
Protein context (NP_056265.2, residues 46-66): VVTIVDQTNV[Lys56Glu]LTCLLFSGNY

ClinVar aggregate classification (germline): Uncertain significance (1 of 4 stars; one submission).

Conditions:
Tumor predisposition syndrome 3 (TPDS3). Also called: Melanoma, cutaneous malignant, susceptibility to, 10; Glioma susceptibility 9; LONG TELOMERE SYNDROME, POT1-RELATED; POT1 Tumor Predisposition. Identifiers: Orphanet 618, MedGen C4014476, MONDO:0014368, OMIM 615848.

Submission:

Labcorp Genetics (formerly Invitae), Labcorp
Classification: Uncertain significance for Tumor predisposition syndrome 3. Last evaluated: 2021-09-04. Review status: criteria provided, single submitter. Criteria: Invitae Variant Classification Sherloc (09022015). Collection method: clinical testing. Allele origin: germline.
Comment: This sequence change replaces lysine with glutamic acid at codon 56 of the POT1 protein (p.Lys56Glu). The lysine residue is highly conserved and there is a small physicochemical difference between lysine and glutamic acid. This variant is not present in population databases (ExAC no frequency). This variant has not been reported in the literature in individuals affected with POT1-related conditions. Algorithms developed to predict the effect of missense changes on protein structure and function are either unavailable or do not agree on the potential impact of this missense change (SIFT: "Deleterious"; PolyPhen-2: "Benign"; Align-GVGD: "Class C0"). In summary, the available evidence is currently insufficient to determine the role of this variant in disease. Therefore, it has been classified as a Variant of Uncertain Significance.